The following is an entry in ClinVar:

NM_005918.4(MDH2):c.590T>C (p.Ile197Thr)

Gene: MDH2 (malate dehydrogenase 2; plus strand). Cytogenetic location: 7q11.23.
Variant type: single nucleotide variant.
Coding change: c.590T>C on transcript NM_005918.4 (MANE Select); coding-DNA position 590, T replaced by C.
Protein change: p.Ile197Thr; replaces isoleucine 197 with threonine.
Molecular consequence: missense variant.
Genome position (GRCh38, 1-based): chr7:76,063,549, T>C. VCF-style: chr7-76063549-T-C. GRCh37 (hg19) VCF-style: chr7-75692867-T-C.
Other names: c.464T>C, p.Ile155Thr (NM_001282403.2); c.269T>C, p.Ile90Thr (NM_001282404.2); short protein forms I155T, I197T, I90T.
Identifiers: ClinVar variation 3615117 (VCV003615117.1).

ClinVar aggregate classification (germline): Uncertain significance (1 of 4 stars; one submission).

gnomAD v4.1: 9 of 1,614,098 alleles (0.00056%); highest among the groups gnomAD compares: Admixed American, 0.0083%; no homozygotes.

Submission:

Labcorp Genetics (formerly Invitae), Labcorp
Classification: Uncertain significance. Last evaluated: 2024-10-31. Review status: criteria provided, single submitter. Criteria: Invitae Variant Classification Sherloc (09022015). Collection method: clinical testing. Allele origin: germline.
Comment: This sequence change replaces isoleucine, which is neutral and non-polar, with threonine, which is neutral and polar, at codon 197 of the MDH2 protein (p.Ile197Thr). This variant is present in population databases (rs782587997, gnomAD 0.01%). This variant has not been reported in the literature in individuals affected with MDH2-related conditions. Invitae Evidence Modeling of protein sequence and biophysical properties (such as structural, functional, and spatial information, amino acid conservation, physicochemical variation, residue mobility, and thermodynamic stability) has been performed for this missense variant. However, the output from this modeling did not meet the statistical confidence thresholds required to predict the impact of this variant on MDH2 protein function. In summary, the available evidence is currently insufficient to determine the role of this variant in disease. Therefore, it has been classified as a Variant of Uncertain Significance.